The following is an entry in ClinVar:

ClinVar aggregate classification (germline): Uncertain significance. Review status: criteria provided, multiple submitters, no conflicts (2 of 4 stars). 4 submissions from 4 submitters: Uncertain significance (3). 1 of the submissions does not count toward it. Last evaluated 2025-02-20.

Conditions:
Inborn genetic diseases. Identifiers: MedGen C0950123, MeSH D030342.
Benign neonatal seizures. Also called: Benign familial neonatal epilepsy; Benign familial neonatal seizures; Benign neonatal familial convulsions; Convulsions benign familial neonatal dominant form; Autosomal dominant form of benign neonatal seizures. Identifiers: Orphanet 1949, MedGen C0220669, MONDO:0016027.
Seizures, benign familial neonatal, 2. Also called: Benign Neonatal Epilepsy 2; Seizures, benign neonatal, 2; CONVULSIONS, BENIGN FAMILIAL NEONATAL, 2; KCNQ3-Related Benign Familial Neonatal Epilepsy; KCNQ3-Related Self-Limited Familial Neonatal Epilepsy (SLFNE). Identifiers: Orphanet 1949, MedGen C1852581, MONDO:0007366, OMIM 121201.

Allele frequency attached by ClinVar (database versions not stated): TOPMed 0.00005.
gnomAD v4.1: 77 of 1,612,832 alleles (0.0048%); highest among the groups gnomAD compares: Non-Finnish European, 0.0061%; no homozygotes.

Submissions (4):

Labcorp Genetics (formerly Invitae), Labcorp
Classification: Uncertain significance for Benign neonatal seizures. Last evaluated: 2025-02-20. Review status: criteria provided, single submitter. Criteria: Invitae Variant Classification Sherloc (09022015). Collection method: clinical testing. Allele origin: germline.
Comment: This sequence change replaces proline, which is neutral and non-polar, with threonine, which is neutral and polar, at codon 574 of the KCNQ3 protein (p.Pro574Thr). This variant is present in population databases (rs74582884, gnomAD 0.004%). This missense change has been observed in individual(s) with idiopathic epilepsy (PMID: 21703448). ClinVar contains an entry for this variant (Variation ID: 205976). Invitae Evidence Modeling of protein sequence and biophysical properties (such as structural, functional, and spatial information, amino acid conservation, physicochemical variation, residue mobility, and thermodynamic stability) indicates that this missense variant is not expected to disrupt KCNQ3 protein function with a negative predictive value of 80%. In summary, the available evidence is currently insufficient to determine the role of this variant in disease. Therefore, it has been classified as a Variant of Uncertain Significance.

GeneDx
Classification: Uncertain significance. Last evaluated: 2024-03-12. Review status: criteria provided, single submitter. Criteria: GeneDx Variant Classification Process June 2021. Collection method: clinical testing. Allele origin: germline. Affected: yes.
Comment: Previously identified in a patient with idiopathic epilepsy and was not detected in controls; however, no additional information was provided (PMID: 21703448); In silico analysis supports that this missense variant does not alter protein structure/function; Not observed at significant frequency in large population cohorts (gnomAD); This variant is associated with the following publications: (PMID: 28488083, 21703448)

Ambry Genetics
Classification: Uncertain significance for Inborn genetic diseases. Last evaluated: 2017-02-20. Review status: criteria provided, single submitter. Criteria: Ambry exome assertion method (8-5-2015). Collection method: clinical testing. Allele origin: germline. Affected: yes. Observed: 1 variant allele.

Zotz-Klimas Genetics Lab, MVZ Zotz Klimas
Classification: Uncertain significance for Seizures, benign familial neonatal, 2. Last evaluated: 2023-10-09. Review status: no assertion criteria provided. Collection method: clinical testing. Allele origin: germline. Affected: yes. Not counted in ClinVar's aggregate classification.

Literature cited by the submitters: PubMed 21703448 (cited by Labcorp Genetics (formerly Invitae), Labcorp and Ambry Genetics).

NM_004519.4(KCNQ3):c.1720C>A (p.Pro574Thr)

Gene: KCNQ3 (potassium voltage-gated channel subfamily Q member 3; minus strand). Cytogenetic location: 8q24.22.
Variant type: single nucleotide variant.
Coding change: c.1720C>A on transcript NM_004519.4 (MANE Select); coding-DNA position 1720, C replaced by A.
Protein change: p.Pro574Thr; replaces proline 574 with threonine.
Molecular consequence: missense variant.
Genome position (GRCh38, 1-based): chr8:132,134,369, G>T on the plus strand (C>A on the coding strand, the complement: KCNQ3 is on the minus strand). VCF-style: chr8-132134369-G-T. GRCh37 (hg19) VCF-style: chr8-133146616-G-T.
Other names: p.P574T:CCT>ACT; c.1360C>A, p.Pro454Thr (NM_001204824.2); short protein forms P574T, P454T.
Identifiers: ClinVar variation 205976 (VCV000205976.16), dbSNP rs74582884, ClinGen allele CA315619.